The following is an entry in ClinVar:

ClinVar aggregate classification (germline): Uncertain significance (1 of 4 stars; one submission).

Submission:

GeneDx
Classification: Uncertain significance. Last evaluated: 2026-02-28. Review status: criteria provided, single submitter. Criteria: GeneDx Variant Classification Process June 2021. Collection method: clinical testing. Allele origin: germline.
Comment: Not observed at significant frequency in large population cohorts (gnomAD); In silico analysis suggests that this missense variant does not alter protein structure/function; Has not been previously published as pathogenic or benign to our knowledge

NM_013275.6(ANKRD11):c.6196T>C (p.Phe2066Leu)

Gene: ANKRD11 (ankyrin repeat domain 11; minus strand). Cytogenetic location: 16q24.3.
Variant type: single nucleotide variant.
Coding change: c.6196T>C on transcript NM_013275.6 (MANE Select); coding-DNA position 6196, T replaced by C.
Protein change: p.Phe2066Leu; replaces phenylalanine 2066 with leucine.
Molecular consequence: missense variant.
Genome position (GRCh38, 1-based): chr16:89,280,346, A>G on the plus strand (T>C on the coding strand, the complement: ANKRD11 is on the minus strand). VCF-style: chr16-89280346-A-G. GRCh37 (hg19) VCF-style: chr16-89346754-A-G.
Other names: c.6196T>C, p.Phe2066Leu (NM_001256182.2, NM_001256183.2); short protein forms F2066L.
Identifiers: ClinVar variation 5008056 (VCV005008056.1).